The following is an entry in ClinVar:

NM_024854.5(PYROXD1):c.750+1G>T

Gene: PYROXD1 (pyridine nucleotide-disulphide oxidoreductase domain 1; plus strand). Cytogenetic location: 12p12.1.
Variant type: single nucleotide variant.
Coding change: c.750+1G>T on transcript NM_024854.5 (MANE Select); the canonical splice donor site of the intron after coding-DNA position 750, G replaced by T.
Molecular consequence: splice donor variant.
Genome position (GRCh38, 1-based): chr12:21,456,096, G>T. VCF-style: chr12-21456096-G-T. GRCh37 (hg19) VCF-style: chr12-21609030-G-T.
Other names: c.-28+1G>T (NM_001350913.2); c.537+1G>T (NM_001350912.2).
Identifiers: ClinVar variation 3678442 (VCV003678442.2).

ClinVar aggregate classification (germline): Likely pathogenic (1 of 4 stars; one submission).

Submission:

Labcorp Genetics (formerly Invitae), Labcorp
Classification: Likely pathogenic. Last evaluated: 2024-04-27. Review status: criteria provided, single submitter. Criteria: Invitae Variant Classification Sherloc (09022015). Collection method: clinical testing. Allele origin: germline.
Comment: This sequence change affects a donor splice site in intron 7 of the PYROXD1 gene. It is expected to disrupt RNA splicing. Variants that disrupt the donor or acceptor splice site typically lead to a loss of protein function (PMID: 16199547), and loss-of-function variants in PYROXD1 are known to be pathogenic (PMID: 27745833). This variant is not present in population databases (gnomAD no frequency). This variant has not been reported in the literature in individuals affected with PYROXD1-related conditions. Algorithms developed to predict the effect of sequence changes on RNA splicing suggest that this variant may disrupt the consensus splice site. In summary, the currently available evidence indicates that the variant is pathogenic, but additional data are needed to prove that conclusively. Therefore, this variant has been classified as Likely Pathogenic.

Literature cited by the submitters: PubMed 16199547; PubMed 27745833.